The following is an entry in ClinVar:

NM_130767.3(ACOT12):c.477G>A (p.Lys159=)

Gene: ACOT12 (acyl-CoA thioesterase 12; minus strand). Cytogenetic location: 5q14.1.
Variant type: single nucleotide variant.
Coding change: c.477G>A on transcript NM_130767.3 (MANE Select); coding-DNA position 477, G replaced by A.
Protein change: p.Lys159=; no amino-acid change (lysine 159 retained).
Molecular consequence: synonymous variant.
Genome position (GRCh38, 1-based): chr5:81,359,922, C>T on the plus strand (G>A on the coding strand, the complement: ACOT12 is on the minus strand). VCF-style: chr5-81359922-C-T. GRCh37 (hg19) VCF-style: chr5-80655741-C-T.
Identifiers: ClinVar variation 2655572 (VCV002655572.24), dbSNP rs138552293, ClinGen allele CA3330656.

ClinVar aggregate classification (germline): Likely benign (1 of 4 stars; one submission).

Allele frequency attached by ClinVar (database versions not stated): gnomAD exomes 0.00015; ExAC 0.00050; ESP Exome Variant Server 0.00115; gnomAD 0.00127; TOPMed 0.00165; 1000 Genomes Project 0.00180; 1000 Genomes Project 30x 0.00203.
gnomAD v4.1: 421 of 1,606,604 alleles (0.026%); highest among the groups gnomAD compares: African/African-American, 0.46%; 1 homozygote.

Submission:

CeGaT Center for Human Genetics Tuebingen
Classification: Likely benign. Last evaluated: 2022-09-01. Review status: criteria provided, single submitter. Criteria: CeGaT Center For Human Genetics Tuebingen Variant Classification Criteria Version 2. Collection method: clinical testing. Allele origin: germline. Affected: yes. Observed: 1 variant allele.
Comment: ACOT12: BP4, BP7